The following is an entry in ClinVar:

ClinVar aggregate classification (germline): Uncertain significance (1 of 4 stars; one submission).

Submission:

GeneDx
Classification: Uncertain significance. Last evaluated: 2022-01-23. Review status: criteria provided, single submitter. Criteria: GeneDx Variant Classification Process June 2021. Collection method: clinical testing. Allele origin: germline. Affected: yes.
Comment: Not observed at significant frequency in large population cohorts (gnomAD); In silico analysis supports that this missense variant has a deleterious effect on protein structure/function; Has not been previously published as pathogenic or benign to our knowledge

NM_138615.3(DHX30):c.1472C>G (p.Pro491Arg)

Gene: DHX30 (DExH-box helicase 30; plus strand). Cytogenetic location: 3p21.31.
Variant type: single nucleotide variant.
Coding change: c.1472C>G on transcript NM_138615.3 (MANE Select); coding-DNA position 1472, C replaced by G.
Protein change: p.Pro491Arg; replaces proline 491 with arginine.
Molecular consequence: missense variant.
Genome position (GRCh38, 1-based): chr3:47,846,544, C>G. VCF-style: chr3-47846544-C-G. GRCh37 (hg19) VCF-style: chr3-47888034-C-G.
Other names: c.1388C>G, p.Pro463Arg (NM_001330990.2); c.1355C>G, p.Pro452Arg (NM_014966.4); short protein forms P452R, P463R, P491R.
Identifiers: ClinVar variation 1698309 (VCV001698309.2), dbSNP rs2107134437, ClinGen allele CA352586594.